The following is an entry in ClinVar:

ClinVar aggregate classification (germline): Uncertain significance (1 of 4 stars; one submission).

Allele frequency attached by ClinVar (database versions not stated): gnomAD 0.00001; gnomAD exomes 0.00001 and 0.00004; TOPMed 0.00001; ExAC 0.00003.

Submission:

Labcorp Genetics (formerly Invitae), Labcorp
Classification: Uncertain significance. Last evaluated: 2024-08-01. Review status: criteria provided, single submitter. Criteria: Invitae Variant Classification Sherloc (09022015). Collection method: clinical testing. Allele origin: germline.
Comment: This sequence change falls in intron 3 of the PRPF4 gene. It does not directly change the encoded amino acid sequence of the PRPF4 protein. It affects a nucleotide within the consensus splice site. The frequency data for this variant in the population databases is considered unreliable, as metrics indicate poor data quality at this position in the gnomAD database. This variant has not been reported in the literature in individuals affected with PRPF4-related conditions. ClinVar contains an entry for this variant (Variation ID: 1521001). Variants that disrupt the consensus splice site are a relatively common cause of aberrant splicing (PMID: 17576681, 9536098). Algorithms developed to predict the effect of sequence changes on RNA splicing suggest that this variant is not likely to affect RNA splicing. In summary, the available evidence is currently insufficient to determine the role of this variant in disease. Therefore, it has been classified as a Variant of Uncertain Significance.

Literature cited by the submitters: PubMed 17576681; PubMed 9536098.

NM_001244926.2(PRPF4):c.392+6C>T

Gene: PRPF4 (pre-mRNA splicing tri-snRNP complex factor PRPF4; plus strand). Cytogenetic location: 9q32.
Variant type: single nucleotide variant.
Coding change: c.392+6C>T on transcript NM_001244926.2 (MANE Select); 6 bases into the intron after coding-DNA position 392, C replaced by T.
Molecular consequence: intron variant.
Genome position (GRCh38, 1-based): chr9:113,279,137, C>T. VCF-style: chr9-113279137-C-T. GRCh37 (hg19) VCF-style: chr9-116041417-C-T.
Other names: c.-374+6C>T (NM_001322267.2, NM_001322266.2); c.395+6C>T (NM_004697.5).
Identifiers: ClinVar variation 1521001 (VCV001521001.6), dbSNP rs757730887, ClinGen allele CA5194831.
Genomic context (GRCh38, chr9:113,279,137, plus strand): 5'-CCTTGGGGGAACCCATCACACTTTTTGGAGAGGGTCCTGCTGAAAGAAGAGAAAGGTTGC[C>T]TTTCTAAATATTTACTTTTTTTCTTTATTATAATCACAGGGTTCTACTCCAAATTTTGGT-3'